The following is an entry in ClinVar:

ClinVar aggregate classification (germline): Benign/Likely benign. Review status: criteria provided, multiple submitters, no conflicts (2 of 4 stars). 2 submissions from 2 submitters: Benign (1); Likely benign (1). Last evaluated 2025-05-04.

Conditions:
RETREG1-related disorder. Also called: RETREG1-related condition.

Allele frequency attached by ClinVar (database versions not stated): TOPMed 0.00001; 1000 Genomes Project 30x 0.00016; ExAC 0.00036; gnomAD 0.00046.
gnomAD v4.1: 256 of 1,574,916 alleles (0.016%); highest among the groups gnomAD compares: Non-Finnish European, 0.0016%; 1 homozygote.

Submissions (2):

Labcorp Genetics (formerly Invitae), Labcorp
Classification: Benign. Last evaluated: 2025-05-04. Review status: criteria provided, single submitter. Criteria: Invitae Variant Classification Sherloc (09022015). Collection method: clinical testing. Allele origin: germline.

PreventionGenetics, part of Exact Sciences
Classification: Likely benign for RETREG1-related condition. Last evaluated: 2025-04-30. Review status: criteria provided, single submitter. Criteria: ACMG Guidelines, 2015. Collection method: clinical testing. Allele origin: germline.
Comment: This variant is classified as likely benign based on ACMG/AMP sequence variant interpretation guidelines (Richards et al. 2015 PMID: 25741868, with internal and published modifications).

NM_001034850.3(RETREG1):c.228G>A (p.Val76=)

Genes: RETREG1 (reticulophagy regulator 1; minus strand), RETREG1-AS1 (RETREG1 antisense RNA 1; plus strand). Cytogenetic location: 5p15.1.
Variant type: single nucleotide variant.
Coding change: c.228G>A on transcript NM_001034850.3 (MANE Select); coding-DNA position 228, G replaced by A.
Protein change: p.Val76=; no amino-acid change (valine 76 retained).
Molecular consequence: synonymous variant.
Genome position (GRCh38, 1-based): chr5:16,616,744, C>T on the plus strand (G>A on the coding strand, the complement: RETREG1 is on the minus strand). VCF-style: chr5-16616744-C-T. GRCh37 (hg19) VCF-style: chr5-16616853-C-T.
Identifiers: ClinVar variation 2866382 (VCV002866382.4), dbSNP rs772179383, ClinGen allele CA3210536.